The following is an entry in ClinVar:

NM_004984.4(KIF5A):c.2120G>A (p.Arg707Gln)

Gene: KIF5A (kinesin family member 5A; plus strand). Cytogenetic location: 12q13.3.
Variant type: single nucleotide variant.
Coding change: c.2120G>A on transcript NM_004984.4 (MANE Select); coding-DNA position 2120, G replaced by A.
Protein change: p.Arg707Gln; replaces arginine 707 with glutamine.
Molecular consequence: missense variant.
Genome position (GRCh38, 1-based): chr12:57,576,300, G>A. VCF-style: chr12-57576300-G-A. GRCh37 (hg19) VCF-style: chr12-57970083-G-A.
Other names: p.Arg707Gln; c.1853G>A, p.Arg618Gln (NM_001354705.2); short protein forms R618Q, R707Q.
Identifiers: ClinVar variation 1678657 (VCV001678657.7), dbSNP rs1360689553, ClinGen allele CA385511267.
Genomic context (GRCh38, chr12:57,576,300, plus strand): 5'-CTTTGAGCTTGGGGTGGGGTTGTTTGCAGAAGGCTCTGGAGCTGCAGATGGAGAGTCACC[G>A]GGAGGCCCATCACCGGCAGCTGGCCCGGCTCCGGGACGAGATCAACGAGAAGCAGAAGAC-3'
Protein context (NP_004975.2, residues 697-717): KALELQMESH[Arg707Gln]EAHHRQLARL

ClinVar aggregate classification (germline): Conflicting classifications of pathogenicity. Review status: criteria provided, conflicting classifications (1 of 4 stars). 2 submissions from 2 submitters: Uncertain significance (1); Likely benign (1). Last evaluated 2025-04-01.

Conditions:
Spastic paraplegia. Identifiers: MedGen C0037772, HP:0001258.
Hereditary spastic paraplegia 10 (SPG10). Also called: SPASTIC PARAPLEGIA 10 WITH OR WITHOUT PERIPHERAL NEUROPATHY; SPASTIC PARAPLEGIA 10 WITH PERIPHERAL NEUROPATHY; SPASTIC PARAPLEGIA 10, AUTOSOMAL DOMINANT. Identifiers: Orphanet 100991, MedGen C1858712, MONDO:0011408, OMIM 604187.

Allele frequency attached by ClinVar (database versions not stated): gnomAD exomes below 0.00001; gnomAD 0.00002; TOPMed 0.00002.
gnomAD v4.1: 8 of 1,613,932 alleles (0.0005%); highest among the groups gnomAD compares: African/African-American, 0.0027%; no homozygotes.

Submissions (2):

Labcorp Genetics (formerly Invitae), Labcorp
Classification: Likely benign for Spastic paraplegia. Last evaluated: 2025-04-01. Review status: criteria provided, single submitter. Criteria: Invitae Variant Classification Sherloc (09022015). Collection method: clinical testing. Allele origin: germline.

Department of Next Generation Sequencing, Access to Genome
Classification: Uncertain significance for Hereditary spastic paraplegia 10. Last evaluated: 2022-04-11. Review status: criteria provided, single submitter. Criteria: ACMG Guidelines, 2015. Collection method: case-control. Allele origin: germline. Inheritance: Autosomal dominant inheritance. Affected: yes. Observed: 1 heterozygote.
Comment: This sequence change replaces arginine with glutamine at codon 707 of the KIF5A protein. This variant is present in population datbases (rs1360689553, Gnomad 0.0004%).In silico analysis, which includes protein predictors and evolutionary conservation, supports a deleterious effect. In summary, the available evidence is currently insufficient to determine the role of this variant in disease. Therefore, it has been classified as a Variant of Uncertain Significance